The following is an entry in ClinVar:

ClinVar aggregate classification (germline): Benign/Likely benign. Review status: criteria provided, multiple submitters, no conflicts (2 of 4 stars). 9 submissions from 9 submitters: Benign (6); Likely benign (1). 2 of the submissions do not count toward it. Last evaluated 2026-03-17.

Conditions:
BRCA1-related disorder. Also called: BRCA1-related condition.
Pancreatic cancer, susceptibility to, 4. Identifiers: Orphanet 1333, MedGen C3280442, MONDO:0013685, OMIM 614320.
Familial cancer of breast. Also called: BREAST CANCER, FAMILIAL; hereditary breast carcinoma; Hereditary breast cancer. Identifiers: Orphanet 227535, MedGen C0346153, MONDO:0016419, OMIM 114480. Disease mechanism: loss of function.
Breast-ovarian cancer, familial, susceptibility to, 1 (BROVCA1). Also called: BRCA1 Hereditary Breast and Ovarian Cancer; OVARIAN CANCER, SUSCEPTIBILITY TO. Identifiers: Orphanet 145, MedGen C2676676, MONDO:0011450, OMIM 604370. Disease mechanism: loss of function.
Fanconi anemia, complementation group S (FANCS). Identifiers: MedGen C4554406, MONDO:0054748, OMIM 617883.

Submissions (9):

PreventionGenetics, part of Exact Sciences
Classification: Benign for BRCA1-related condition. Last evaluated: 2026-03-17. Review status: criteria provided, single submitter. Criteria: ACMG Guidelines, 2015. Collection method: clinical testing. Allele origin: germline.
Comment: This variant is classified as benign based on ACMG/AMP sequence variant interpretation guidelines (Richards et al. 2015 PMID: 25741868, with internal and published modifications).

Center for Genomic Medicine, Rigshospitalet, Copenhagen University Hospital
Classification: Likely benign. Last evaluated: 2025-03-04. Review status: criteria provided, single submitter. Criteria: ACMG Guidelines, 2015. Collection method: clinical testing. Allele origin: germline.

Fulgent Genetics
Classification: Benign for Familial cancer of breast; Breast-ovarian cancer, familial, susceptibility to, 1; Pancreatic cancer, susceptibility to, 4; Fanconi anemia, complementation group S. Last evaluated: 2021-11-12. Review status: criteria provided, single submitter. Criteria: ACMG Guidelines, 2015. Collection method: clinical testing. Allele origin: unknown.

GeneDx
Classification: Benign. Last evaluated: 2019-08-19. Review status: criteria provided, single submitter. Criteria: GeneDx Variant Classification Process June 2021. Collection method: clinical testing. Allele origin: germline. Affected: yes.

Mendelics
Classification: Benign for Breast-ovarian cancer, familial, susceptibility to, 1. Last evaluated: 2019-05-28. Review status: criteria provided, single submitter. Criteria: Mendelics Assertion Criteria 2017. Collection method: clinical testing. Allele origin: unknown.

ARUP Laboratories, Molecular Genetics and Genomics, ARUP Laboratories
Classification: Benign. Last evaluated: 2016-11-04. Review status: criteria provided, single submitter. Criteria: ARUP Molecular Germline Variant Investigation Process. Collection method: clinical testing. Allele origin: germline.

Molecular Genetics Laboratory, University of Michigan
Classification: Benign for Breast-ovarian cancer, familial, susceptibility to, 1. Last evaluated: 2014-11-03. Review status: criteria provided, single submitter. Criteria: ACMG Guidelines, 2015. Collection method: clinical testing. Allele origin: germline. Affected: yes.

Clinical Genetics Laboratory, Department of Pathology, Netherlands Cancer Institute
Classification: Benign. Review status: no assertion criteria provided. Collection method: clinical testing. Allele origin: germline. Affected: yes. Study: VKGL Data-share Consensus. Not counted in ClinVar's aggregate classification.

Genome Diagnostics Laboratory, University Medical Center Utrecht
Classification: Likely benign. Review status: no assertion criteria provided. Collection method: clinical testing. Allele origin: germline. Affected: yes. Study: VKGL Data-share Consensus. Not counted in ClinVar's aggregate classification.

NM_007294.4(BRCA1):c.441+36_441+49del

Gene: BRCA1 (BRCA1 DNA repair associated; minus strand). Cytogenetic location: 17q21.31.
Variant type: Deletion.
Coding change: c.441+36_441+49del on transcript NM_007294.4 (MANE Select); bases 36 to 49 of the intron after coding-DNA position 441, 14 bases deleted (CTTTTCTTTTTTTT).
Molecular consequence: intron variant.
Genome position (GRCh38, 1-based): chr17:43,104,073-43,104,086, AAAAAAAAGAAAAG deleted on the plus strand (CTTTTCTTTTTTTT on the coding strand, the reverse complement: BRCA1 is on the minus strand); deleting any 14 consecutive bases within chr17:43,104,073-43,104,088 gives the same sequence; the c. name uses the placement nearest the transcript's 3' end. VCF-style (leftmost placement, unchanged base first): chr17-43104072-AAAAAAAAAGAAAAG-A. GRCh37 (hg19) VCF-style: chr17-41256089-AAAAAAAAAGAAAAG-A.
Other names: c.441+36_441+49delCTTTTCTTTTTTTT (NM_007299.3, NM_007294.3); c.300+36_300+49del (NM_001408458.1, NM_001407931.1, NM_001407747.1 and 99 more transcripts); c.-218-9226_-218-9213del (NM_001407967.1, NM_001407966.1); c.60+36_60+49del (NM_001407959.1, NM_001407962.1, NM_001408512.1 and 4 more transcripts); c.231+36_231+49del (NM_001407885.1, NM_001407886.1, NM_001407898.1 and 58 more transcripts); c.441+36_441+49del (NM_001407686.1, NM_001408397.1, NM_001407632.1 and 164 more transcripts); c.309+36_309+49del (NM_001408451.1); c.363+36_363+49del (NM_001408475.1, NM_001407875.1, NM_001407659.1 and 21 more transcripts); and 2 more.
Identifiers: ClinVar variation 225705 (VCV000225705.16), dbSNP rs373413425, ClinGen allele CA8589958.